The following is an entry in ClinVar:

ClinVar aggregate classification (germline): Uncertain significance. Review status: criteria provided, multiple submitters, no conflicts (2 of 4 stars). 2 submissions from 2 submitters: Uncertain significance (2). Last evaluated 2024-10-19.

Conditions:
Microcephaly, normal intelligence and immunodeficiency (NBS). Also called: Ataxia telangiectasia variant V1; IMMUNODEFICIENCY, MICROCEPHALY, AND CHROMOSOMAL INSTABILITY; BERLIN BREAKAGE SYNDROME; Immunodeficiency, microcephaly with normal intelligence; SEEMANOVA SYNDROME II; Nijmegen breakage syndrome. Identifiers: Orphanet 647, MedGen C0398791, MONDO:0009623, OMIM 251260.
Hereditary cancer-predisposing syndrome. Also called: Neoplastic Syndromes, Hereditary; Hereditary Cancer Syndrome; Tumor predisposition; Hereditary neoplastic syndrome. Identifiers: Orphanet 140162, MedGen C0027672, MeSH D009386, MONDO:0015356.

gnomAD v4.1: 3 of 1,610,820 alleles (0.00019%); highest among the groups gnomAD compares: South Asian, 0.0011%; no homozygotes.

Submissions (2):

Ambry Genetics
Classification: Uncertain significance for Hereditary cancer-predisposing syndrome. Last evaluated: 2024-10-19. Review status: criteria provided, single submitter. Criteria: Ambry Variant Classification Scheme 2023. Collection method: clinical testing. Allele origin: germline.
Comment: The p.I159V variant (also known as c.475A>G), located in coding exon 4 of the NBN gene, results from an A to G substitution at nucleotide position 475. The isoleucine at codon 159 is replaced by valine, an amino acid with highly similar properties. This amino acid position is conserved. In addition, this alteration is predicted to be tolerated by in silico analysis. Based on the available evidence, the clinical significance of this variant remains unclear.

Labcorp Genetics (formerly Invitae), Labcorp
Classification: Uncertain significance for Microcephaly, normal intelligence and immunodeficiency. Last evaluated: 2022-07-30. Review status: criteria provided, single submitter. Criteria: Invitae Variant Classification Sherloc (09022015). Collection method: clinical testing. Allele origin: germline.
Comment: This sequence change replaces isoleucine, which is neutral and non-polar, with valine, which is neutral and non-polar, at codon 159 of the NBN protein (p.Ile159Val). This variant is not present in population databases (gnomAD no frequency). This variant has not been reported in the literature in individuals affected with NBN-related conditions. ClinVar contains an entry for this variant (Variation ID: 1432457). Algorithms developed to predict the effect of missense changes on protein structure and function (SIFT, PolyPhen-2, Align-GVGD) all suggest that this variant is likely to be tolerated. In summary, the available evidence is currently insufficient to determine the role of this variant in disease. Therefore, it has been classified as a Variant of Uncertain Significance.

NM_002485.5(NBN):c.475A>G (p.Ile159Val)

Gene: NBN (nibrin; minus strand). Cytogenetic location: 8q21.3.
Variant type: single nucleotide variant.
Coding change: c.475A>G on transcript NM_002485.5 (MANE Select); coding-DNA position 475, A replaced by G.
Protein change: p.Ile159Val; replaces isoleucine 159 with valine.
Molecular consequence: missense variant.
Genome position (GRCh38, 1-based): chr8:89,980,739, T>C on the plus strand (A>G on the coding strand, the complement: NBN is on the minus strand). VCF-style: chr8-89980739-T-C. GRCh37 (hg19) VCF-style: chr8-90992967-T-C.
Other names: c.229A>G, p.Ile77Val (NM_001024688.3); c.475A>G (NM_002485.4); short protein forms I159V, I77V.
Identifiers: ClinVar variation 1432457 (VCV001432457.6), dbSNP rs747319065, ClinGen allele CA371661470.
Genomic context (GRCh38, chr8:89,980,739, plus strand): 5'-TAAGCTTAAATTCAAATAACTTATTTTTAACATAAGAACAAGACATTCAACCTACTTTAA[T>C]GGTAACTTTCACTGATACCATGACAAGGTGAGTGCATTCTTCTGTCCAATTGTTTACAGT-3'
Protein context (NP_002476.2, residues 149-169): HLVMVSVKVT[Ile159Val]KTICALICGR